The following is an entry in ClinVar:

NM_007294.4(BRCA1):c.1054del (p.Glu352fs)

Gene: BRCA1 (BRCA1 DNA repair associated; minus strand). Cytogenetic location: 17q21.31.
Variant type: Deletion.
Coding change: c.1054del on transcript NM_007294.4 (MANE Select); coding-DNA position 1054, one base deleted (G; older notation c.1054delG).
Protein change: p.Glu352fs; shifts the reading frame from glutamic acid 352.
Molecular consequence: frameshift variant. On other transcripts: intron variant (137).
Genome position (GRCh38, 1-based): chr17:43,094,477, C deleted on the plus strand (G on the coding strand, the reverse complement: BRCA1 is on the minus strand). VCF-style (leftmost placement, unchanged base first): chr17-43094476-TC-T. GRCh37 (hg19) VCF-style: chr17-41246493-TC-T.
Other names: 1173delG; c.1045del, p.Glu349fs (NM_001407646.1, NM_001407647.1); c.931del, p.Glu311fs (NM_001407648.1, NM_001407664.1, NM_001407665.1 and 19 more transcripts); c.928del, p.Glu310fs (NM_001407649.1, NM_001407670.1, NM_001407671.1 and 11 more transcripts); c.1054del, p.Glu352fs (NM_001407652.1, NM_001407684.1, NM_001407854.1 and 30 more transcripts); c.976del, p.Glu326fs (NM_001407653.1, NM_001407654.1, NM_001407655.1 and 4 more transcripts); c.973del, p.Glu325fs (NM_001407659.1, NM_001407660.1, NM_001407661.1 and 1 more transcripts); c.913del, p.Glu305fs (NM_001407692.1, NM_001407694.1, NM_001407695.1 and 29 more transcripts); and 41 more; short protein forms E352fs, E305fs, E184fs, E240fs, E264fs, E282fs, E284fs, E325fs.
Identifiers: ClinVar variation 266136 (VCV000266136.10), dbSNP rs886039926, ClinGen allele CA10589968.

ClinVar aggregate classification (germline): Pathogenic. Review status: reviewed by expert panel (3 of 4 stars). 4 submissions from 4 submitters: Pathogenic (1). 3 of the submissions do not count toward it. Last evaluated 2016-10-18.

Conditions:
Hereditary cancer-predisposing syndrome. Also called: Hereditary Cancer Syndrome; Neoplastic Syndromes, Hereditary; Hereditary neoplastic syndrome; Tumor predisposition. Identifiers: Orphanet 140162, MedGen C0027672, MeSH D009386, MONDO:0015356.
Breast-ovarian cancer, familial, susceptibility to, 1 (BROVCA1). Also called: BRCA1 Hereditary Breast and Ovarian Cancer; OVARIAN CANCER, SUSCEPTIBILITY TO. Identifiers: Orphanet 145, MedGen C2676676, MONDO:0011450, OMIM 604370. Disease mechanism: loss of function.

Submissions (4):

Evidence-based Network for the Interpretation of Germline Mutant Alleles (ENIGMA)
Classification: Pathogenic for Breast-ovarian cancer, familial, susceptibility to, 1. Last evaluated: 2016-10-18. Review status: reviewed by expert panel. Criteria: ENIGMA BRCA1/2 Classification Criteria (2015). Collection method: curation. Allele origin: germline.
Comment: Variant allele predicted to encode a truncated non-functional protein.

Ambry Genetics
Classification: Pathogenic for Hereditary cancer-predisposing syndrome. Last evaluated: 2019-10-18. Review status: criteria provided, single submitter. Criteria: Ambry Variant Classification Scheme 2023. Collection method: clinical testing. Allele origin: germline. Not counted in ClinVar's aggregate classification.
Comment: The c.1054delG pathogenic mutation, located in coding exon 9 of the BRCA1 gene, results from a deletion of one nucleotide at nucleotide position 1054, causing a translational frameshift with a predicted alternate stop codon (p.E352Nfs*22). This alteration was identified in multiple studies of BRCA1/2 mutation positive families (Kwong A et al. J. Med. Genet., 2016 Jan;53:15-23; Rebbeck TR et al. Hum. Mutat., 2018 05;39:593-620). In addition to the clinical data presented in the literature, this alteration is expected to result in loss of function by premature protein truncation or nonsense-mediated mRNA decay. As such, this alteration is interpreted as a disease-causing mutation.

Consortium of Investigators of Modifiers of BRCA1/2 (CIMBA), c/o University of Cambridge
Classification: Pathogenic for Breast-ovarian cancer, familial, susceptibility to, 1. Last evaluated: 2015-10-02. Review status: criteria provided, single submitter. Criteria: CIMBA Mutation Classification guidelines May 2016. Collection method: clinical testing. Allele origin: germline. Not counted in ClinVar's aggregate classification.

GeneDx
Classification: Pathogenic. Last evaluated: 2015-07-30. Review status: criteria provided, single submitter. Criteria: GeneDx Variant Classification (06012015). Collection method: clinical testing. Allele origin: germline. Affected: yes. Not counted in ClinVar's aggregate classification.
Comment: This deletion of one nucleotide in BRCA1 is denoted c.1054delG at the cDNA level and p.Glu352AsnfsX22 (E352NfsX22) at the protein level. Using alternate nomenclature, this deletion would be defined as BRCA1 1173delG. The normal sequence, with the base that is deleted in braces, is GAAAA[G]AATG. The deletion causes a frameshift, which changes a Glutamic Acid to an Asparagine at codon 352, and creates a premature stop codon at position 22 of the new reading frame. This deletion is predicted to cause loss of normal protein function through either protein truncation or nonsense-mediated mRNA decay and has been reported in at least 2 high-risk individuals from breast and/or ovarian cancer families (Kwong 22015). we consider this variant to be pathogenic.

Literature cited by the submitters: PubMed 26187060 (cited by Ambry Genetics); PubMed 29446198 (cited by Ambry Genetics).